The following is an entry in ClinVar:

ClinVar aggregate classification (germline): Uncertain significance (1 of 4 stars; one submission).

Submission:

GeneDx
Classification: Uncertain significance. Last evaluated: 2024-10-13. Review status: criteria provided, single submitter. Criteria: GeneDx Variant Classification Process June 2021. Collection method: clinical testing. Allele origin: germline.
Comment: Not observed at significant frequency in large population cohorts (gnomAD); In silico analysis supports that this missense variant has a deleterious effect on protein structure/function; Has not been previously published as pathogenic or benign to our knowledge

NM_003070.5(SMARCA2):c.4377T>A (p.His1459Gln)

Gene: SMARCA2 (SWI/SNF related BAF chromatin remodeling complex subunit ATPase 2; plus strand). Cytogenetic location: 9p24.3.
Variant type: single nucleotide variant.
Coding change: c.4377T>A on transcript NM_003070.5 (MANE Select); coding-DNA position 4377, T replaced by A.
Protein change: p.His1459Gln; replaces histidine 1459 with glutamine.
Molecular consequence: missense variant.
Genome position (GRCh38, 1-based): chr9:2,182,158, T>A. VCF-style: chr9-2182158-T-A. GRCh37 (hg19) VCF-style: chr9-2182158-T-A.
Other names: c.4377T>A, p.His1459Gln (NM_001289396.2); c.4149T>A, p.His1383Gln (NM_001289397.2); c.351T>A, p.His117Gln (NM_001289398.2); c.435T>A, p.His145Gln (NM_001289399.2); c.441T>A, p.His147Gln (NM_001289400.2); c.4323T>A, p.His1441Gln (NM_139045.4); short protein forms H117Q, H1383Q, H1441Q, H1459Q, H145Q, H147Q.
Identifiers: ClinVar variation 2580514 (VCV002580514.2), dbSNP rs138542624, ClinGen allele CA372789942.